The following is an entry in ClinVar:

NM_001035.3(RYR2):c.7651A>G (p.Thr2551Ala)

Gene: RYR2 (ryanodine receptor 2; plus strand). Cytogenetic location: 1q43.
Variant type: single nucleotide variant.
Coding change: c.7651A>G on transcript NM_001035.3 (MANE Select); coding-DNA position 7651, A replaced by G.
Protein change: p.Thr2551Ala; replaces threonine 2551 with alanine.
Molecular consequence: missense variant.
Genome position (GRCh38, 1-based): chr1:237,650,015, A>G. VCF-style: chr1-237650015-A-G. GRCh37 (hg19) VCF-style: chr1-237813315-A-G.
Other names: short protein forms T2551A.
Identifiers: ClinVar variation 4532491 (VCV004532491.1).

ClinVar aggregate classification (germline): Uncertain significance (1 of 4 stars; one submission).

Submission:

GeneDx
Classification: Uncertain significance. Last evaluated: 2025-05-28. Review status: criteria provided, single submitter. Criteria: GeneDx Variant Classification Process June 2021. Collection method: clinical testing. Allele origin: germline. Affected: yes.
Comment: Not observed at significant frequency in large population cohorts (gnomAD); In silico analysis supports that this missense variant has a deleterious effect on protein structure/function; Has not been previously published as pathogenic or benign to our knowledge; This variant is associated with the following publications: (PMID: 19926015)